The following is an entry in ClinVar:

NM_032861.4(SERAC1):c.959G>A (p.Arg320His)

Gene: SERAC1 (serine active site containing 1; minus strand). Cytogenetic location: 6q25.3.
Variant type: single nucleotide variant.
Coding change: c.959G>A on transcript NM_032861.4 (MANE Select); coding-DNA position 959, G replaced by A.
Protein change: p.Arg320His; replaces arginine 320 with histidine.
Molecular consequence: missense variant. On other transcripts: non-coding transcript variant (1).
Genome position (GRCh38, 1-based): chr6:158,128,164, C>T on the plus strand (G>A on the coding strand, the complement: SERAC1 is on the minus strand). VCF-style: chr6-158128164-C-T. GRCh37 (hg19) VCF-style: chr6-158549196-C-T.
Other names: short protein forms R320H.
Identifiers: ClinVar variation 3713337 (VCV003713337.2).
Genomic context (GRCh38, chr6:158,128,164, plus strand): 5'-TTACCTGAGCGAACTATAGAAGAATGAAGATGTTCATTCAAAGCCATATTTCCAATGACA[C>T]GCATTATATTTCTCTGTACTTTAGGGCAGTCCTTGTGAAGTCGGTACAGCCTCTGAAGTA-3'
Protein context (NP_116250.3, residues 310-330): DCPKVQRNIM[Arg320His]VIGNMALNEH

ClinVar aggregate classification (germline): Uncertain significance (1 of 4 stars; one submission).

Conditions:
3-methylglutaconic aciduria with deafness, encephalopathy, and Leigh-like syndrome (MEGDEL). Also called: 3-METHYLGLUTACONIC ACIDURIA, TYPE VI; SERAC1 Deficiency; MEGDEL syndrome. Identifiers: Orphanet 352328, MedGen C4040739, MONDO:0013875, OMIM 614739.

gnomAD v4.1: 12 of 1,613,986 alleles (0.00074%); highest among the groups gnomAD compares: South Asian, 0.0044%; no homozygotes.

Submission:

Labcorp Genetics (formerly Invitae), Labcorp
Classification: Uncertain significance for 3-methylglutaconic aciduria with deafness, encephalopathy, and Leigh-like syndrome. Last evaluated: 2024-07-23. Review status: criteria provided, single submitter. Criteria: Invitae Variant Classification Sherloc (09022015). Collection method: clinical testing. Allele origin: germline.
Comment: This sequence change replaces arginine, which is basic and polar, with histidine, which is basic and polar, at codon 320 of the SERAC1 protein (p.Arg320His). This variant is present in population databases (rs79231187, gnomAD 0.003%). This variant has not been reported in the literature in individuals affected with SERAC1-related conditions. Advanced modeling of protein sequence and biophysical properties (such as structural, functional, and spatial information, amino acid conservation, physicochemical variation, residue mobility, and thermodynamic stability) performed at Invitae indicates that this missense variant is not expected to disrupt SERAC1 protein function with a negative predictive value of 80%. In summary, the available evidence is currently insufficient to determine the role of this variant in disease. Therefore, it has been classified as a Variant of Uncertain Significance.